The following is an entry in ClinVar:

ClinVar aggregate classification (germline): Benign/Likely benign. Review status: criteria provided, multiple submitters, no conflicts (2 of 4 stars). 3 submissions from 3 submitters: Benign (1); Likely benign (2). Last evaluated 2025-03-27.

Conditions:
Hereditary cancer-predisposing syndrome. Also called: Hereditary Cancer Syndrome; Neoplastic Syndromes, Hereditary; Tumor predisposition; Hereditary neoplastic syndrome. Identifiers: Orphanet 140162, MedGen C0027672, MeSH D009386, MONDO:0015356.
Peutz-Jeghers syndrome (PJS). Also called: POLYPOSIS, HAMARTOMATOUS INTESTINAL; POLYPS-AND-SPOTS SYNDROME; Peutz-Jeghers polyposis; Periorificial lentiginosis syndrome. Identifiers: Orphanet 2869, MedGen C0031269, MeSH D010580, MONDO:0008280, OMIM 175200.

Submissions (3):

Myriad Genetics, Inc.
Classification: Benign for Peutz-Jeghers syndrome. Last evaluated: 2025-03-27. Review status: criteria provided, single submitter. Criteria: Myriad Autosomal Dominant, Autosomal Recessive and X-Linked Classification Criteria (2023). Collection method: clinical testing. Allele origin: unknown.
Comment: This variant is considered benign. This variant is a silent/synonymous amino acid change and it is not expected to impact splicing.

Labcorp Genetics (formerly Invitae), Labcorp
Classification: Likely benign for Peutz-Jeghers syndrome. Last evaluated: 2021-06-23. Review status: criteria provided, single submitter. Criteria: Invitae Variant Classification Sherloc (09022015). Collection method: clinical testing. Allele origin: germline.

Ambry Genetics
Classification: Likely benign for Hereditary cancer-predisposing syndrome. Last evaluated: 2015-02-04. Review status: criteria provided, single submitter. Criteria: Ambry Variant Classification Scheme 2023. Collection method: clinical testing. Allele origin: germline.

NM_000455.5(STK11):c.780C>T (p.Ile260=)

Gene: STK11 (serine/threonine kinase 11; plus strand). Cytogenetic location: 19p13.3.
Variant type: single nucleotide variant.
Coding change: c.780C>T on transcript NM_000455.5 (MANE Select); coding-DNA position 780, C replaced by T.
Protein change: p.Ile260=; no amino-acid change (isoleucine 260 retained).
Molecular consequence: synonymous variant.
Genome position (GRCh38, 1-based): chr19:1,221,258, C>T. VCF-style: chr19-1221258-C-T. GRCh37 (hg19) VCF-style: chr19-1221257-C-T.
Identifiers: ClinVar variation 230302 (VCV000230302.14), dbSNP rs876658493, ClinGen allele CA10581008.